The following is an entry in ClinVar:

ClinVar aggregate classification (germline): Uncertain significance. Review status: criteria provided, multiple submitters, no conflicts (2 of 4 stars). 3 submissions from 3 submitters: Uncertain significance (3). Last evaluated 2025-03-05.

Conditions:
Familial adenomatous polyposis 1 (FAP1). Also called: FAMILIAL ADENOMATOUS POLYPOSIS 1, ATTENUATED; POLYPOSIS, ADENOMATOUS INTESTINAL. Identifiers: MedGen C2713442, MONDO:0021056, OMIM 175100. Disease mechanism: loss of function.
Hereditary cancer-predisposing syndrome. Also called: Hereditary neoplastic syndrome; Neoplastic Syndromes, Hereditary; Tumor predisposition; Hereditary Cancer Syndrome. Identifiers: Orphanet 140162, MedGen C0027672, MeSH D009386, MONDO:0015356.

Submissions (3):

Ambry Genetics
Classification: Uncertain significance for Hereditary cancer-predisposing syndrome. Last evaluated: 2025-03-05. Review status: criteria provided, single submitter. Criteria: Ambry Variant Classification Scheme 2023. Collection method: clinical testing. Allele origin: germline.
Comment: The p.S274A variant (also known as c.820T>G), located in coding exon 7 of the APC gene, results from a T to G substitution at nucleotide position 820. The serine at codon 274 is replaced by alanine, an amino acid with similar properties. This amino acid position is well conserved in available vertebrate species. In addition, in silico predictors for this gene do not accurately predict pathogenicity. Missense alterations in APC are not a common cause of disease (Spier I et al. Genet Med. 2024 Feb;26(2):100992). Based on the available evidence, the clinical significance of this variant remains unclear.

Labcorp Genetics (formerly Invitae), Labcorp
Classification: Uncertain significance for Familial adenomatous polyposis 1. Last evaluated: 2022-03-27. Review status: criteria provided, single submitter. Criteria: Invitae Variant Classification Sherloc (09022015). Collection method: clinical testing. Allele origin: germline.
Comment: In summary, the available evidence is currently insufficient to determine the role of this variant in disease. Therefore, it has been classified as a Variant of Uncertain Significance. Algorithms developed to predict the effect of missense changes on protein structure and function (SIFT, PolyPhen-2, Align-GVGD) all suggest that this variant is likely to be tolerated. ClinVar contains an entry for this variant (Variation ID: 940626). This variant has not been reported in the literature in individuals affected with APC-related conditions. This variant is not present in population databases (gnomAD no frequency). This sequence change replaces serine, which is neutral and polar, with alanine, which is neutral and non-polar, at codon 274 of the APC protein (p.Ser274Ala).

Institute for Clinical Genetics, University Hospital TU Dresden, University Hospital TU Dresden
Classification: Uncertain significance. Last evaluated: 2021-11-03. Review status: criteria provided, single submitter. Criteria: ACMG Guidelines, 2015. Collection method: clinical testing. Allele origin: germline.

NM_000038.6(APC):c.820T>G (p.Ser274Ala)

Gene: APC (APC regulator of Wnt signaling pathway; plus strand). Cytogenetic location: 5q22.2.
Variant type: single nucleotide variant.
Coding change: c.820T>G on transcript NM_000038.6 (MANE Select); coding-DNA position 820, T replaced by G.
Protein change: p.Ser274Ala; replaces serine 274 with alanine.
Molecular consequence: missense variant. On other transcripts: 5 prime UTR variant (1).
Genome position (GRCh38, 1-based): chr5:112,801,369, T>G. VCF-style: chr5-112801369-T-G. GRCh37 (hg19) VCF-style: chr5-112137066-T-G.
Other names: c.820T>G, p.Ser274Ala (NM_001127510.3, NM_001354895.2, NM_001354896.2 and 1 more transcripts); c.766T>G, p.Ser256Ala (NM_001127511.3); c.850T>G, p.Ser284Ala (NM_001354897.2, NM_001354902.2); c.745T>G, p.Ser249Ala (NM_001354898.2, NM_001354904.2); c.736T>G, p.Ser246Ala (NM_001354899.2); c.643T>G, p.Ser215Ala (NM_001354900.2, NM_001354901.2, NM_001354905.2); c.-216T>G (NM_001354906.2); short protein forms S215A, S256A, S284A, S246A, S249A, S274A.
Identifiers: ClinVar variation 940626 (VCV000940626.15), dbSNP rs1760808608, ClinGen allele CA16023122.